The following is an entry in ClinVar:

ClinVar aggregate classification (germline): Likely benign (1 of 4 stars; one submission).

gnomAD v4.1: 2 of 1,196,711 alleles (0.00017%); highest among the groups gnomAD compares: Non-Finnish European, 0.00023%; no homozygotes.

Submission:

CeGaT Center for Human Genetics Tuebingen
Classification: Likely benign. Last evaluated: 2025-06-01. Review status: criteria provided, single submitter. Criteria: CeGaT Center For Human Genetics Tuebingen Variant Classification Criteria Version 2. Collection method: clinical testing. Allele origin: germline. Affected: yes. Observed: 1 variant allele.
Comment: OFD1: BP5

NM_003611.3(OFD1):c.2452T>C (p.Phe818Leu)

Gene: OFD1 (OFD1 centriole and centriolar satellite protein; plus strand). Cytogenetic location: Xp22.2.
Variant type: single nucleotide variant.
Coding change: c.2452T>C on transcript NM_003611.3 (MANE Select); coding-DNA position 2452, T replaced by C.
Protein change: p.Phe818Leu; replaces phenylalanine 818 with leucine.
Molecular consequence: missense variant.
Genome position (GRCh38, 1-based): chrX:13,762,408, T>C. VCF-style: chrX-13762408-T-C. GRCh37 (hg19) VCF-style: chrX-13780527-T-C.
Other names: c.2332T>C, p.Phe778Leu (NM_001330209.2, NM_001440948.1); c.2032T>C, p.Phe678Leu (NM_001330210.2); c.2452T>C, p.Phe818Leu (NM_001440947.1); short protein forms F678L, F778L, F818L.
Identifiers: ClinVar variation 4083699 (VCV004083699.8).